The following is an entry in ClinVar:

NM_001673.5(ASNS):c.1123A>T (p.Ile375Leu)

Genes: ASNS (asparagine synthetase (glutamine-hydrolyzing); minus strand), CZ1P-ASNS (CZ1P-ASNS readthrough; minus strand). Cytogenetic location: 7q21.3.
Variant type: single nucleotide variant.
Coding change: c.1123A>T on transcript NM_001673.5 (MANE Select); coding-DNA position 1123, A replaced by T.
Protein change: p.Ile375Leu; replaces isoleucine 375 with leucine.
Molecular consequence: missense variant. On other transcripts: non-coding transcript variant (1).
Genome position (GRCh38, 1-based): chr7:97,855,367, T>A on the plus strand (A>T on the coding strand, the complement: ASNS is on the minus strand). VCF-style: chr7-97855367-T-A. GRCh37 (hg19) VCF-style: chr7-97484679-T-A.
Other names: c.1060A>T, p.Ile354Leu (NM_001178075.2); c.874A>T, p.Ile292Leu (NM_001178076.2, NM_001178077.1); c.1123A>T, p.Ile375Leu (NM_001352496.2, NM_133436.3, NM_183356.4); short protein forms I354L, I375L, I292L.
Identifiers: ClinVar variation 1394994 (VCV001394994.6), dbSNP rs766097318, ClinGen allele CA368265576.

ClinVar aggregate classification (germline): Uncertain significance (1 of 4 stars; one submission).

gnomAD v4.1: 1 of 1,611,376 alleles (0.000062%); highest among the groups gnomAD compares: Non-Finnish European, 0.000085%; no homozygotes.

Submission:

Labcorp Genetics (formerly Invitae), Labcorp
Classification: Uncertain significance. Last evaluated: 2022-06-05. Review status: criteria provided, single submitter. Criteria: Invitae Variant Classification Sherloc (09022015). Collection method: clinical testing. Allele origin: germline.
Comment: In summary, the available evidence is currently insufficient to determine the role of this variant in disease. Therefore, it has been classified as a Variant of Uncertain Significance. Algorithms developed to predict the effect of missense changes on protein structure and function (SIFT, PolyPhen-2, Align-GVGD) all suggest that this variant is likely to be tolerated. ClinVar contains an entry for this variant (Variation ID: 1394994). This variant has not been reported in the literature in individuals affected with ASNS-related conditions. This variant is not present in population databases (gnomAD no frequency). This sequence change replaces isoleucine, which is neutral and non-polar, with leucine, which is neutral and non-polar, at codon 375 of the ASNS protein (p.Ile375Leu).